The following is an entry in ClinVar:

ClinVar aggregate classification (germline): Uncertain significance (1 of 4 stars; one submission).

Conditions:
Skeletal overgrowth-craniofacial dysmorphism-hyperelastic skin-white matter lesions syndrome. Also called: SKELETAL OVERGROWTH WITH FACIAL DYSMORPHISM, HYPERELASTIC SKIN, WHITE MATTER LESIONS, AND NEUROLOGIC DETERIORATION; Kosaki overgrowth syndrome. Identifiers: Orphanet 477831, MedGen C4225270, MONDO:0014704, OMIM 616592.
Infantile myofibromatosis (IMF). Also called: Congenital generalized fibromatosis. Identifiers: Orphanet 2591, MedGen C0432284, MONDO:0016824.
Basal ganglia calcification, idiopathic, 4 (PFBC4). Also called: Familial Idiopathic Basal Ganglia Calcification 4; PRIMARY FAMILIAL BRAIN CALCIFICATION 4, AUTOSOMAL DOMINANT. Identifiers: Orphanet 1980, MedGen C3554321, MONDO:0014004, OMIM 615007.
Acroosteolysis-keloid-like lesions-premature aging syndrome. Also called: Premature aging syndrome, Penttinen type; Prematurely aged appearance, delayed bone maturation, acro-osteolysis, and brachydactyly; Progeroid syndrome, Penttinen type. Identifiers: Orphanet 363665, MedGen C1866182, MONDO:0011150, OMIM 601812.

Submission:

Labcorp Genetics (formerly Invitae), Labcorp
Classification: Uncertain significance for Basal ganglia calcification, idiopathic, 4; Skeletal overgrowth-craniofacial dysmorphism-hyperelastic skin-white matter lesions syndrome; Infantile myofibromatosis; Acroosteolysis-keloid-like lesions-premature aging syndrome. Last evaluated: 2024-06-26. Review status: criteria provided, single submitter. Criteria: Invitae Variant Classification Sherloc (09022015). Collection method: clinical testing. Allele origin: germline.
Comment: This sequence change replaces isoleucine, which is neutral and non-polar, with phenylalanine, which is neutral and non-polar, at codon 933 of the PDGFRB protein (p.Ile933Phe). This variant is not present in population databases (gnomAD no frequency). This variant has not been reported in the literature in individuals affected with PDGFRB-related conditions. An algorithm developed to predict the effect of missense changes on protein structure and function (PolyPhen-2) suggests that this variant is likely to be disruptive. In summary, the available evidence is currently insufficient to determine the role of this variant in disease. Therefore, it has been classified as a Variant of Uncertain Significance.

NM_002609.4(PDGFRB):c.2797A>T (p.Ile933Phe)

Gene: PDGFRB (platelet derived growth factor receptor beta; minus strand). Cytogenetic location: 5q32.
Variant type: single nucleotide variant.
Coding change: c.2797A>T on transcript NM_002609.4 (MANE Select); coding-DNA position 2797, A replaced by T.
Protein change: p.Ile933Phe; replaces isoleucine 933 with phenylalanine.
Molecular consequence: missense variant.
Genome position (GRCh38, 1-based): chr5:150,119,468, T>A on the plus strand (A>T on the coding strand, the complement: PDGFRB is on the minus strand). VCF-style: chr5-150119468-T-A. GRCh37 (hg19) VCF-style: chr5-149499031-T-A.
Other names: c.2605A>T, p.Ile869Phe (NM_001355016.2); c.2314A>T, p.Ile772Phe (NM_001355017.2); short protein forms I772F, I869F, I933F.
Identifiers: ClinVar variation 3757012 (VCV003757012.2).